The following is an entry in ClinVar:

NM_001166108.2(PALLD):c.1965-12945C>A

Gene: PALLD (palladin, cytoskeletal associated protein; plus strand). Cytogenetic location: 4q32.3.
Variant type: single nucleotide variant.
Coding change: c.1965-12945C>A on transcript NM_001166108.2 (MANE Select); 12945 bases into the intron before coding-DNA position 1965, C replaced by A.
Molecular consequence: intron variant. On other transcripts: missense variant (1).
Genome position (GRCh38, 1-based): chr4:168,877,977, C>A. VCF-style: chr4-168877977-C-A. GRCh37 (hg19) VCF-style: chr4-169799128-C-A.
Other names: c.86C>A, p.Ala29Glu (NM_001166110.2); c.1965-12945C>A (NM_016081.4); c.819-12945C>A (NM_001166109.2); c.-157-12945C>A (NM_001367570.1, NM_001367568.1, NM_001367567.1 and 1 more transcripts); short protein forms A29E.
Identifiers: ClinVar variation 4564149 (VCV004564149.1).

ClinVar aggregate classification (germline): Uncertain significance (1 of 4 stars; one submission).

Submission:

Ambry Genetics
Classification: Uncertain significance. Last evaluated: 2025-09-29. Review status: criteria provided, single submitter. Criteria: Ambry Variant Classification Scheme 2023. Collection method: clinical testing. Allele origin: germline.
Comment: The p.A29E variant (also known as c.86C>A), located in coding exon 1 of the PALLD gene, results from a C to A substitution at nucleotide position 86. The alanine at codon 29 is replaced by glutamic acid, an amino acid with dissimilar properties. This amino acid position is conserved. In addition, the in silico prediction for this alteration is inconclusive. Based on the available evidence, the clinical significance of this variant remains unclear.